The following is an entry in ClinVar:

ClinVar aggregate classification (germline): Uncertain significance (1 of 4 stars; one submission).

Conditions:
Epilepsy, progressive myoclonic, 11. Identifiers: MedGen C5394362, MONDO:0030034, OMIM 618876.

gnomAD v4.1: 4 of 1,250,694 alleles (0.00032%); highest among the groups gnomAD compares: South Asian, 0.0073%; no homozygotes.

Submission:

Neuberg Centre For Genomic Medicine, NCGM
Classification: Uncertain significance for Epilepsy, progressive myoclonic, 11. Last evaluated: 2023-06-22. Review status: criteria provided, single submitter. Criteria: ACMG Guidelines, 2015. Collection method: clinical testing. Allele origin: germline. Inheritance: Autosomal dominant inheritance. Affected: yes.
Comment: The missense variant c.17C>T p.Ala6Val in the SEMA6B gene has not been reported previously as a pathogenic variant nor as a benign variant, to our knowledge. This variant is absent in the gnomAD Exomes. The amino acid Alanine at position 6 is changed to a Valine changing protein sequence and it might alter its composition and physico-chemical properties. Computational evidence Polyphen, SIFT and MutationTaster predicts conflicting evidence on protein structure and function for this variant. The amino acid change p.Ala6Val in SEMA6B is predicted as conserved by PhyloP across 100 vertebrates. For these reasons, this variant has been classified as Uncertain Significance.

NM_032108.4(SEMA6B):c.17C>T (p.Ala6Val)

Gene: SEMA6B (semaphorin 6B; minus strand). Cytogenetic location: 19p13.3.
Variant type: single nucleotide variant.
Coding change: c.17C>T on transcript NM_032108.4 (MANE Select); coding-DNA position 17, C replaced by T.
Protein change: p.Ala6Val; replaces alanine 6 with valine.
Molecular consequence: missense variant.
Genome position (GRCh38, 1-based): chr19:4,558,441, G>A on the plus strand (C>T on the coding strand, the complement: SEMA6B is on the minus strand). VCF-style: chr19-4558441-G-A. GRCh37 (hg19) VCF-style: chr19-4558453-G-A.
Other names: short protein forms A6V.
Identifiers: ClinVar variation 3391405 (VCV003391405.1).